The following is an entry in ClinVar:

NM_001354930.2(RIPK1):c.401T>G (p.Val134Gly)

Gene: RIPK1 (receptor interacting serine/threonine kinase 1; plus strand). Cytogenetic location: 6p25.2.
Variant type: single nucleotide variant.
Coding change: c.401T>G on transcript NM_001354930.2 (MANE Select); coding-DNA position 401, T replaced by G.
Protein change: p.Val134Gly; replaces valine 134 with glycine.
Molecular consequence: missense variant. On other transcripts: 5 prime UTR variant (4), intron variant (1).
Genome position (GRCh38, 1-based): chr6:3,081,058, T>G. VCF-style: chr6-3081058-T-G. GRCh37 (hg19) VCF-style: chr6-3081292-T-G.
Other names: c.401T>G (NM_003804.4); c.-203T>G (NM_001317061.3, NM_001354932.2, NM_001354933.2 and 1 more transcripts); c.401T>G, p.Val134Gly (NM_003804.6); c.322-2027T>G (NM_001354931.2); short protein forms V134G.
Identifiers: ClinVar variation 4154691 (VCV004154691.2).

ClinVar aggregate classification (germline): Uncertain significance. Review status: criteria provided, multiple submitters, no conflicts (2 of 4 stars). 2 submissions from 2 submitters: Uncertain significance (2). Last evaluated 2025-08-04.

Conditions:
RIPK1-related disorder. Also called: RIPK1-related condition.
Inborn genetic diseases. Identifiers: MedGen C0950123, MeSH D030342.

gnomAD v4.1: 3 of 1,614,108 alleles (0.00019%); highest among the groups gnomAD compares: African/African-American, 0.0013%; no homozygotes.

Submissions (2):

Ambry Genetics
Classification: Uncertain significance for Inborn genetic diseases. Last evaluated: 2025-08-04. Review status: criteria provided, single submitter. Criteria: Ambry Variant Classification Scheme 2023. Collection method: clinical testing. Allele origin: germline.

PreventionGenetics, part of Exact Sciences
Classification: Uncertain significance for RIPK1-related condition. Last evaluated: 2025-03-14. Review status: criteria provided, single submitter. Criteria: ACMG Guidelines, 2015. Collection method: clinical testing. Allele origin: germline.
Comment: The RIPK1 c.401T>G variant is predicted to result in the amino acid substitution p.Val134Gly. To our knowledge, this variant has not been reported in the literature or in a large population database (gnomAD), indicating this variant is rare. At this time, the clinical significance of this variant is uncertain due to the absence of conclusive functional and genetic evidence.